The following is an entry in ClinVar:

ClinVar aggregate classification (germline): Likely benign. Review status: criteria provided, multiple submitters, no conflicts (2 of 4 stars). 5 submissions from 5 submitters: Likely benign (5). Last evaluated 2026-02-01.

Conditions:
KIZ-related disorder. Also called: KIZ-related condition.

Allele frequency attached by ClinVar (database versions not stated): gnomAD 0.00016; gnomAD exomes 0.00025 and 0.00042; TOPMed 0.00026; 1000 Genomes Project 30x 0.00031; 1000 Genomes Project 0.00040; ESP Exome Variant Server 0.00051; ExAC 0.00071.

Submissions (5):

Labcorp Genetics (formerly Invitae), Labcorp
Classification: Likely benign. Last evaluated: 2026-02-01. Review status: criteria provided, single submitter. Criteria: Invitae Variant Classification Sherloc (09022015). Collection method: clinical testing. Allele origin: germline.

CeGaT Center for Human Genetics Tuebingen
Classification: Likely benign. Last evaluated: 2025-04-01. Review status: criteria provided, single submitter. Criteria: CeGaT Center For Human Genetics Tuebingen Variant Classification Criteria Version 2. Collection method: clinical testing. Allele origin: germline. Affected: yes. Observed: 1 variant allele.
Comment: KIZ: BP4, BS2

PreventionGenetics, part of Exact Sciences
Classification: Likely benign for KIZ-related condition. Last evaluated: 2025-02-07. Review status: criteria provided, single submitter. Criteria: ACMG Guidelines, 2015. Collection method: clinical testing. Allele origin: germline.
Comment: This variant is classified as likely benign based on ACMG/AMP sequence variant interpretation guidelines (Richards et al. 2015 PMID: 25741868, with internal and published modifications).

Blueprint Genetics
Classification: Likely benign. Last evaluated: 2024-11-26. Review status: criteria provided, single submitter. Criteria: ACMG Guidelines, 2015. Collection method: clinical testing. Allele origin: germline.

Breakthrough Genomics
Classification: Likely benign. Review status: criteria provided, single submitter. Criteria: ACMG Guidelines, 2015. Collection method: not provided. Allele origin: germline. Inheritance: Autosomal recessive inheritance. Affected: yes.

NM_018474.6(KIZ):c.256C>T (p.Arg86Cys)

Genes: KIZ (kizuna centrosomal protein; plus strand), LOC130065509 (ATAC-STARR-seq lymphoblastoid active region 17619; plus strand). Cytogenetic location: 20p11.23.
Variant type: single nucleotide variant.
Coding change: c.256C>T on transcript NM_018474.6 (MANE Select); coding-DNA position 256, C replaced by T.
Protein change: p.Arg86Cys; replaces arginine 86 with cysteine.
Molecular consequence: missense variant. On other transcripts: 5 prime UTR variant (1), intron variant (4).
Genome position (GRCh38, 1-based): chr20:21,136,493, C>T. VCF-style: chr20-21136493-C-T. GRCh37 (hg19) VCF-style: chr20-21117134-C-T.
Other names: c.256C>T, p.Arg86Cys (NM_001352434.2); c.-131C>T (NM_001352436.2); c.169-9072C>T (NM_001276389.2); c.6+4334C>T (NM_001163022.3, NM_001352435.2, NM_001163023.3); c.256C>T (NM_018474.5); short protein forms R86C.
Identifiers: ClinVar variation 734651 (VCV000734651.21), dbSNP rs199937464, ClinGen allele CA9784604.